The following is an entry in ClinVar:

ClinVar aggregate classification (germline): Uncertain significance. Review status: criteria provided, multiple submitters, no conflicts (2 of 4 stars). 4 submissions from 3 submitters: Uncertain significance (4). Last evaluated 2025-10-09.

Conditions:
Multiple epiphyseal dysplasia type 1. Also called: COMP-Related Multiple Epiphyseal Dysplasia. Identifiers: Orphanet 93308, MedGen C1838280, MONDO:0007561, OMIM 132400.
Pseudoachondroplastic spondyloepiphyseal dysplasia syndrome (PSACH). Also called: PSEUDOACHONDROPLASTIC DYSPLASIA; Pseudoachondroplasia; COMP-Related Pseudoachondroplasia. Identifiers: Orphanet 750, MedGen C0410538, MONDO:0008322, OMIM 177170.

Allele frequency attached by ClinVar (database versions not stated): ExAC 0.00007; gnomAD exomes 0.00007 and 0.00020; gnomAD 0.00010; TOPMed 0.00016; ESP Exome Variant Server 0.00023.
gnomAD v4.1: 327 of 1,613,740 alleles (0.02%); highest among the groups gnomAD compares: Non-Finnish European, 0.025%; no homozygotes.

Submissions (4):

Labcorp Genetics (formerly Invitae), Labcorp
Classification: Uncertain significance. Last evaluated: 2025-10-09. Review status: criteria provided, single submitter. Criteria: Invitae Variant Classification Sherloc (09022015). Collection method: clinical testing. Allele origin: germline.
Comment: This sequence change replaces glutamic acid, which is acidic and polar, with lysine, which is basic and polar, at codon 632 of the COMP protein (p.Glu632Lys). This variant is present in population databases (rs144170209, gnomAD 0.01%). This variant has not been reported in the literature in individuals affected with COMP-related conditions. ClinVar contains an entry for this variant (Variation ID: 889494). Invitae Evidence Modeling of protein sequence and biophysical properties (such as structural, functional, and spatial information, amino acid conservation, physicochemical variation, residue mobility, and thermodynamic stability) indicates that this missense variant is not expected to disrupt COMP protein function with a negative predictive value of 80%. In summary, the available evidence is currently insufficient to determine the role of this variant in disease. Therefore, it has been classified as a Variant of Uncertain Significance.

ARUP Laboratories, Molecular Genetics and Genomics, ARUP Laboratories
Classification: Uncertain significance. Last evaluated: 2023-10-16. Review status: criteria provided, single submitter. Criteria: ARUP Molecular Germline Variant Investigation Process 2024. Collection method: clinical testing. Allele origin: germline.
Comment: The COMP c.1894G>A; p.Glu632Lys variant (rs144170209), to our knowledge, is not reported in the medical literature but is reported in ClinVar (Variation ID: 889494). This variant is found in the general population with an overall allele frequency of 0.0067% (19/281616 alleles) in the Genome Aggregation Database. Computational analyses are uncertain whether this variant is neutral or deleterious (REVEL: 0.645). Due to limited information, the clinical significance of this variant is uncertain at this time.

Illumina Laboratory Services, Illumina
Classification: Uncertain significance for Pseudoachondroplastic spondyloepiphyseal dysplasia syndrome. Last evaluated: 2018-01-13. Review status: criteria provided, single submitter. Criteria: ICSL Variant Classification Criteria 13 December 2019. Collection method: clinical testing. Allele origin: germline.

Illumina Laboratory Services, Illumina
Classification: Uncertain significance for Multiple epiphyseal dysplasia type 1. Last evaluated: 2018-01-13. Review status: criteria provided, single submitter. Criteria: ICSL Variant Classification Criteria 13 December 2019. Collection method: clinical testing. Allele origin: germline.

NM_000095.3(COMP):c.1894G>A (p.Glu632Lys)

Gene: COMP (cartilage oligomeric matrix protein; minus strand). Cytogenetic location: 19p13.11.
Variant type: single nucleotide variant.
Coding change: c.1894G>A on transcript NM_000095.3 (MANE Select); coding-DNA position 1894, G replaced by A.
Protein change: p.Glu632Lys; replaces glutamic acid 632 with lysine.
Molecular consequence: missense variant.
Genome position (GRCh38, 1-based): chr19:18,784,916, C>T on the plus strand (G>A on the coding strand, the complement: COMP is on the minus strand). VCF-style: chr19-18784916-C-T. GRCh37 (hg19) VCF-style: chr19-18895726-C-T.
Other names: short protein forms E632K.
Identifiers: ClinVar variation 889494 (VCV000889494.9), dbSNP rs144170209, ClinGen allele CA9316245.